The following is an entry in ClinVar:

ClinVar aggregate classification (germline): Likely pathogenic (1 of 4 stars; one submission).

Conditions:
Cardiovascular phenotype. Identifiers: MedGen CN230736.
Hereditary cancer-predisposing syndrome. Also called: Tumor predisposition; Hereditary neoplastic syndrome; Neoplastic Syndromes, Hereditary; Hereditary Cancer Syndrome. Identifiers: Orphanet 140162, MedGen C0027672, MeSH D009386, MONDO:0015356.

Submission:

Ambry Genetics
Classification: Likely pathogenic for Cardiovascular phenotype; Hereditary cancer-predisposing syndrome. Last evaluated: 2025-04-09. Review status: criteria provided, single submitter. Criteria: Ambry Variant Classification Scheme 2023. Collection method: clinical testing. Allele origin: germline.
Comment: The c.650A>G variant (also known as p.E217G), located in coding exon 7 of the LZTR1 gene, results from an A to G substitution at nucleotide position 650. The glutamic acid at codon 217 is replaced by glycine, an amino acid with similar properties. This variant is considered to be rare based on population cohorts in the Genome Aggregation Database (gnomAD). This nucleotide position is highly conserved in available vertebrate species. In silico splice site analysis predicts that this alteration will weaken the native splice donor site. RNA studies have demonstrated that this alteration results in abnormal splicing in the set of samples tested (Ambry internal data). Loss-of-function variants in LZTR1 are related to an increased risk for schwannomas and autosomal recessive Noonan syndrome; however, such associations with autosomal dominant Noonan syndrome have not been observed (Piotrowski A et al. Nat Genet. 2014 Feb;46:182-7; Yamamoto GL et al. J Med Genet. 2015 Jun;52:413-21; Johnston JJ et al. Genet Med. 2018 10;20:1175-1185). Based on the supporting evidence, this variant is likely pathogenic for an increased risk of LZTR1-related schwannomatosis (SWN) and would be expected to cause autosomal recessive Noonan syndrome when present along with a second pathogenic or likely pathogenic variant on the other allele; however, the association of this alteration with autosomal dominant Noonan syndrome is unlikely.

NM_006767.4(LZTR1):c.650A>G (p.Glu217Gly)

Gene: LZTR1 (leucine zipper like post translational regulator 1; plus strand). Cytogenetic location: 22q11.21.
Variant type: single nucleotide variant.
Coding change: c.650A>G on transcript NM_006767.4 (MANE Select); coding-DNA position 650, A replaced by G.
Protein change: p.Glu217Gly; replaces glutamic acid 217 with glycine.
Molecular consequence: missense variant.
Genome position (GRCh38, 1-based): chr22:20,989,681, A>G. VCF-style: chr22-20989681-A-G. GRCh37 (hg19) VCF-style: chr22-21343970-A-G.
Other names: short protein forms E217G.
Identifiers: ClinVar variation 3981568 (VCV003981568.1).